The following is an entry in ClinVar:

ClinVar aggregate classification (germline): Pathogenic (1 of 4 stars; one submission).

Conditions:
Hyper-IgE recurrent infection syndrome 3, autosomal recessive. Also called: Autosomal recessive hyper-IgE syndrome due to ZNF341 deficiency; HYPER-IgE SYNDROME 3, AUTOSOMAL RECESSIVE, WITH RECURRENT INFECTIONS. Identifiers: Orphanet 641368, MedGen C4748969, MONDO:0032654, OMIM 618282.

Submission:

Labcorp Genetics (formerly Invitae), Labcorp
Classification: Pathogenic for Combined immunodeficiency due to DOCK8 deficiency. Last evaluated: 2022-08-22. Review status: criteria provided, single submitter. Criteria: Invitae Variant Classification Sherloc (09022015). Collection method: clinical testing. Allele origin: germline.
Comment: For these reasons, this variant has been classified as Pathogenic. This variant has not been reported in the literature in individuals affected with DOCK8-related conditions. This variant is a gross deletion of the genomic region encompassing exon(s) 34 of the DOCK8 gene. This deletion is out-of-frame, and is expected to create a premature termination codon and result in an absent or disrupted protein product. Loss-of-function variants in DOCK8 are known to be pathogenic (PMID: 14722525, 19776401).

Literature cited by the submitters: PubMed 14722525; PubMed 19776401.

NC_000009.11:g.(?_426865)_(427001_?)del

Gene: DOCK8 (dedicator of cytokinesis 8; plus strand). Cytogenetic location: 9p24.3.
Variant type: Deletion.
Identifiers: ClinVar variation 2427691 (VCV002427691.3).